The following is an entry in ClinVar:

NM_001363118.2(SLC52A2):c.214G>A (p.Ala72Thr)

Gene: SLC52A2 (solute carrier family 52 member 2; plus strand). Cytogenetic location: 8q24.3.
Variant type: single nucleotide variant.
Coding change: c.214G>A on transcript NM_001363118.2 (MANE Select); coding-DNA position 214, G replaced by A.
Protein change: p.Ala72Thr; replaces alanine 72 with threonine.
Molecular consequence: missense variant. On other transcripts: non-coding transcript variant (1), intron variant (1).
Genome position (GRCh38, 1-based): chr8:144,359,706, G>A. VCF-style: chr8-144359706-G-A. GRCh37 (hg19) VCF-style: chr8-145583366-G-A.
Other names: c.214G>A, p.Ala72Thr (NM_001253815.2, NM_001253816.2, NM_001363120.2 and 2 more transcripts); c.-51G>A (NM_001410949.1); c.130+283G>A (NM_001363122.2); short protein forms A72T.
Identifiers: ClinVar variation 2196406 (VCV002196406.1), dbSNP rs1294145836, ClinGen allele CA372626456.
Genomic context (GRCh38, chr8:144,359,706, plus strand): 5'-TCTGTGCTTGTGGCTCTGGGGAACCTGGGTCTGCTGGTGGTGACCCTCTGGAGGAGGCTG[G>A]CCCCAGGAAAGGACGAGCAGGTCCCCATCCGGGTGGTGCAGGTGCTGGGCATGGTGGGCA-3'
Protein context (NP_001350047.1, residues 62-82): LLVVTLWRRL[Ala72Thr]PGKDEQVPIR

ClinVar aggregate classification (germline): Uncertain significance (1 of 4 stars; one submission).

Conditions:
Brown-Vialetto-van Laere syndrome 2. Also called: SPINOCEREBELLAR ATAXIA WITH BLINDNESS AND DEAFNESS 2; Riboflavin transporter deficiency type 2. Identifiers: Orphanet 572543, Orphanet 97229, MedGen C3553538, MONDO:0013867, OMIM 614707.

Allele frequency attached by ClinVar (database versions not stated): gnomAD exomes below 0.00001; gnomAD 0.00001; TOPMed 0.00001.

Submission:

Labcorp Genetics (formerly Invitae), Labcorp
Classification: Uncertain significance for Brown-Vialetto-van Laere syndrome 2. Last evaluated: 2022-10-17. Review status: criteria provided, single submitter. Criteria: Invitae Variant Classification Sherloc (09022015). Collection method: clinical testing. Allele origin: germline.
Comment: This sequence change replaces alanine, which is neutral and non-polar, with threonine, which is neutral and polar, at codon 72 of the SLC52A2 protein (p.Ala72Thr). This variant is not present in population databases (gnomAD no frequency). This variant has not been reported in the literature in individuals affected with SLC52A2-related conditions. Advanced modeling of protein sequence and biophysical properties (such as structural, functional, and spatial information, amino acid conservation, physicochemical variation, residue mobility, and thermodynamic stability) performed at Invitae indicates that this missense variant is not expected to disrupt SLC52A2 protein function. In summary, the available evidence is currently insufficient to determine the role of this variant in disease. Therefore, it has been classified as a Variant of Uncertain Significance.